The following is an entry in ClinVar:

ClinVar aggregate classification (germline): Pathogenic (1 of 4 stars; one submission).

Conditions:
Hereditary cancer-predisposing syndrome. Also called: Neoplastic Syndromes, Hereditary; Tumor predisposition; Hereditary neoplastic syndrome; Hereditary Cancer Syndrome. Identifiers: Orphanet 140162, MedGen C0027672, MeSH D009386, MONDO:0015356.
Cardiovascular phenotype. Identifiers: MedGen CN230736.

Submission:

Ambry Genetics
Classification: Pathogenic for Cardiovascular phenotype; Hereditary cancer-predisposing syndrome. Last evaluated: 2018-09-30. Review status: criteria provided, single submitter. Criteria: Ambry Variant Classification Scheme 2023. Collection method: clinical testing. Allele origin: germline.
Comment: The c.7845delA pathogenic mutation, located in coding exon 53 of the NF1 gene, results from a deletion of one nucleotide at nucleotide position 7845, causing a translational frameshift with a predicted alternate stop codon (p.Q2615Hfs*8). This alteration is expected to result in loss of function by premature protein truncation or nonsense-mediated mRNA decay. As such, this alteration is interpreted as a disease-causing mutation.

NM_001042492.3(NF1):c.7908del (p.Gln2636fs)

Gene: NF1 (neurofibromin 1; plus strand). Cytogenetic location: 17q11.2.
Variant type: Deletion.
Coding change: c.7908del on transcript NM_001042492.3 (MANE Select); coding-DNA position 7908, one base deleted (A; older notation c.7908delA).
Protein change: p.Gln2636fs; shifts the reading frame from glutamine 2636.
Molecular consequence: frameshift variant.
Genome position (GRCh38, 1-based): chr17:31,357,307, A deleted; the last of 2 consecutive A bases (chr17:31,357,306-31,357,307); deleting either gives the same sequence. VCF-style (leftmost placement, unchanged base first): chr17-31357305-CA-C. GRCh37 (hg19) VCF-style: chr17-29684323-CA-C.
Other names: c.7845delA (NM_000267.3); c.7845delA, p.Gln2615Hisfs (NM_000267.4); short protein forms Q2636fs, Q2615fs.
Identifiers: ClinVar variation 827284 (VCV000827284.4), dbSNP rs1597866872, ClinGen allele CA915949912.
Genomic context (GRCh38, chr17:31,357,305, plus strand): 5'-GTTTACTTTTTTGCATCTTGGCAGGCTACACTGGTAAAATATACCACAGATGAGTTTGAT[CA>C]ACGAATTCTTTATGAATACTTAGCAGAGGCCAGTGTTGTGTTTCCCAAAGTCTTTCCTGT-3'